The following is an entry in ClinVar:

ClinVar aggregate classification (germline): Pathogenic/Likely pathogenic. Review status: criteria provided, multiple submitters, no conflicts (2 of 4 stars). 2 submissions from 2 submitters: Pathogenic (1); Likely pathogenic (1). Last evaluated 2023-07-17.

Conditions:
Long QT syndrome 2 (LQT2). Identifiers: Orphanet 101016, Orphanet 768, MedGen C3150943, MONDO:0013367, OMIM 613688.

Submissions (2):

Petrovsky National Research Centre of Surgery, The Federal Agency for Scientific Organizations
Classification: Likely pathogenic for Long QT syndrome 2. Last evaluated: 2023-07-17. Review status: criteria provided, single submitter. Criteria: ACMG Guidelines, 2015. Collection method: clinical testing. Allele origin: germline. Inheritance: Autosomal dominant inheritance. Affected: yes. Observed: 1 heterozygote.
Comment: This variant is not present in gnomAD database and located in a mutational hot spot and/or critical and well-established functional domain (PM1_strong according to Walsh R. et al. (PMID: 32893267). Multiple computational resources predict deleterious effect of p.Thr634Ala genetic variant. Based on this evidence, we consider it to classify the с.1900A>G (p.Thr634Ala) variant as Likely Pathogenic.

GeneDx
Classification: Pathogenic. Last evaluated: 2014-05-28. Review status: criteria provided, single submitter. Criteria: GeneDx Variant Classification (06012015). Collection method: clinical testing. Allele origin: germline. Affected: yes.
Comment: p.Thr634Ala (ACC>GCC): c.1900 A>G in exon 7 of the KCNH2 gene (NM_000238.2). The T634A mutation in the KCNH2 gene has been reported in one individual diagnosed with LQTS (Yoshinaga et al., 2013). The T634A mutation is a non-conservative amino acid substitution as these residues differ in polarity, charge, size and/or other properties and is more likely to impact secondary structure. This substitution occurs at a position that is conserved across species. A different mutation in the same residue (T634I) and mutations in nearby residues (N633D, N633S, N633I, N635D, N635I, N635K) have been reported in association with LQTS, further supporting the functional importance of this residue and of this region of the protein. Furthermore, the T634A mutation was not observed inapproximately 6,500 individuals of European and African American ancestry in the NHLBI Exome Sequencing Project, indicating it is not a common benign variant in these populations.In summary, T634A in the KCNH2 gene is interpreted as a disease-causing mutation. The variant is found in LQT panel(s).

NM_000238.4(KCNH2):c.1900A>G (p.Thr634Ala)

Gene: KCNH2 (potassium voltage-gated channel subfamily H member 2; minus strand). Cytogenetic location: 7q36.1.
Variant type: single nucleotide variant.
Coding change: c.1900A>G on transcript NM_000238.4 (MANE Select); coding-DNA position 1900, A replaced by G.
Protein change: p.Thr634Ala; replaces threonine 634 with alanine.
Molecular consequence: missense variant.
Genome position (GRCh38, 1-based): chr7:150,951,493, T>C on the plus strand (A>G on the coding strand, the complement: KCNH2 is on the minus strand). VCF-style: chr7-150951493-T-C. GRCh37 (hg19) VCF-style: chr7-150648581-T-C.
Other names: p.T634A:ACC>GCC; p.Thr634Ala; c.880A>G, p.Thr294Ala (NM_001204798.2, NM_172057.3); c.1612A>G, p.Thr538Ala (NM_001406753.1, NM_001406756.1); c.1723A>G, p.Thr575Ala (NM_001406755.1); c.1600A>G, p.Thr534Ala (NM_001406757.1); c.1900A>G, p.Thr634Ala (NM_172056.3); short protein forms T294A, T634A, T538A, T575A, T534A.
Identifiers: ClinVar variation 200391 (VCV000200391.6), dbSNP rs794728377, ClinGen allele CA005914.
Genomic context (GRCh38, chr7:150,951,493, plus strand): 5'-CCTGGGCACACTCACAGCCAATGAGCATGACGCAGATGGAGAAGATCTTCTCTGAGTTGG[T>C]GTTGGGAGAGACGTTGCCGAAGCCCACACTGGTGAGGCTGCTGAAGGTGAAGTAGAGCGC-3'
Protein context (NP_000229.1, residues 624-644): SVGFGNVSPN[Thr634Ala]NSEKIFSICV